The following is an entry in ClinVar:

NM_018238.4(AGK):c.*184C>T

Gene: AGK (acylglycerol kinase; plus strand). Cytogenetic location: 7q34.
Variant type: single nucleotide variant.
Coding change: c.*184C>T on transcript NM_018238.4 (MANE Select); 184 bases downstream of the stop codon, C replaced by T.
Molecular consequence: 3 prime UTR variant.
Genome position (GRCh38, 1-based): chr7:141,653,108, C>T. VCF-style: chr7-141653108-C-T. GRCh37 (hg19) VCF-style: chr7-141352908-C-T.
Identifiers: ClinVar variation 909895 (VCV000909895.7), dbSNP rs116500538, ClinGen allele CA168066134.
Genomic context (GRCh38, chr7:141,653,108, plus strand): 5'-CCCCTCTGCCCCCACTCCAGCAGTGCTTCCCAAAGTGTGCTCTGTCACCTGCTTTGCAAT[C>T]GGCTTCCATTAGCGCATGTTTTATTTTGGTGTGACGGTTGGCCCTCCTAAACACGGACTT-3'

ClinVar aggregate classification (germline): Benign/Likely benign. Review status: criteria provided, multiple submitters, no conflicts (2 of 4 stars). 3 submissions from 2 submitters: Benign (2); Likely benign (1). Last evaluated 2018-07-31.

Conditions:
Cataract 38. Also called: Cataract, autosomal recessive congenital 5; Cataract 38, autosomal recessive. Identifiers: Orphanet 91492, MedGen C3553494, MONDO:0013859, OMIM 614691.
Sengers syndrome. Also called: MITOCHONDRIAL DNA DEPLETION SYNDROME 10 (CARDIOMYOPATHIC TYPE); Cardiomyopathy and cataract. Identifiers: Orphanet 1369, MedGen C1859317, MONDO:0008922, OMIM 212350.

Allele frequency attached by ClinVar (database versions not stated): gnomAD exomes 0.00051; gnomAD 0.00450 and 0.00466; TOPMed 0.00512; 1000 Genomes Project 0.00739; 1000 Genomes Project 30x 0.00781.
gnomAD v4.1: 934 of 622,838 alleles (0.15%); highest among the groups gnomAD compares: African/African-American, 1.6%; 7 homozygotes.

Submissions (3):

GeneDx
Classification: Likely benign. Last evaluated: 2018-07-31. Review status: criteria provided, single submitter. Criteria: GeneDx Variant Classification Process June 2021. Collection method: clinical testing. Allele origin: germline. Affected: yes.

Illumina Laboratory Services, Illumina
Classification: Benign for Cataract 38. Last evaluated: 2018-01-12. Review status: criteria provided, single submitter. Criteria: ICSL Variant Classification Criteria 13 December 2019. Collection method: clinical testing. Allele origin: germline.
Comment: This variant was observed in the ICSL laboratory as part of a predisposition screen in an ostensibly healthy population. It had not been previously curated by ICSL or reported in the Human Gene Mutation Database (HGMD: prior to June 1st, 2018), and was therefore a candidate for classification through an automated scoring system. Utilizing variant allele frequency, disease prevalence and penetrance estimates, and inheritance mode, an automated score was calculated to assess if this variant is too frequent to cause the disease. Based on the score and internal cut-off values, a variant classified as benign is not then subjected to further curation. The score for this variant resulted in a classification of benign for this disease.

Illumina Laboratory Services, Illumina
Classification: Benign for Sengers syndrome. Last evaluated: 2018-01-12. Review status: criteria provided, single submitter. Criteria: ICSL Variant Classification Criteria 13 December 2019. Collection method: clinical testing. Allele origin: germline.
Comment: the same text as in the submission from Illumina Laboratory Services, Illumina above.